The following is an entry in ClinVar:

NM_145259.3(ACVR1C):c.943+4T>C

Gene: ACVR1C (activin A receptor type 1C; minus strand). Cytogenetic location: 2q24.1.
Variant type: single nucleotide variant.
Coding change: c.943+4T>C on transcript NM_145259.3 (MANE Select); 4 bases into the intron after coding-DNA position 943, T replaced by C.
Molecular consequence: intron variant.
Genome position (GRCh38, 1-based): chr2:157,544,441, A>G on the plus strand (T>C on the coding strand, the complement: ACVR1C is on the minus strand). VCF-style: chr2-157544441-A-G. GRCh37 (hg19) VCF-style: chr2-158400953-A-G.
Other names: c.472+4T>C (NM_001111033.2); c.703+4T>C (NM_001111032.2); c.793+4T>C (NM_001111031.2).
Identifiers: ClinVar variation 3039871 (VCV003039871.2), dbSNP rs55885432, ClinGen allele CA1918687.

ClinVar aggregate classification (germline): Benign (0 of 4 stars; one submission).

Conditions:
ACVR1C-related disorder. Also called: ACVR1C-related condition.

Allele frequency attached by ClinVar (database versions not stated): TOPMed 0.00094; ExAC 0.00110; ESP Exome Variant Server 0.00115.
gnomAD v4.1: 1,254 of 1,605,248 alleles (0.078%); highest among the groups gnomAD compares: Middle Eastern, 0.12%; 10 homozygotes.

Submission:

PreventionGenetics, part of Exact Sciences
Classification: Benign for ACVR1C-related condition. Last evaluated: 2019-09-17. Review status: no assertion criteria provided. Collection method: clinical testing. Allele origin: germline.
Comment: This variant is classified as benign based on ACMG/AMP sequence variant interpretation guidelines (Richards et al. 2015 PMID: 25741868, with internal and published modifications).